The following is an entry in ClinVar:

NC_000005.9:g.(?_34007858)_(34008124_?)del

Gene: AMACR (alpha-methylacyl-CoA racemase; minus strand). Cytogenetic location: 5p13.2.
Variant type: Deletion.
Identifiers: ClinVar variation 2425941 (VCV002425941.4).

ClinVar aggregate classification (germline): Uncertain significance (1 of 4 stars; one submission).

Conditions:
Alpha-methylacyl-CoA racemase deficiency (AMACRD). Also called: AMACR deficiency. Identifiers: Orphanet 79095, MedGen C3280428, MONDO:0013681, OMIM 614307. Disease mechanism: loss of function.

Submission:

Labcorp Genetics (formerly Invitae), Labcorp
Classification: Uncertain significance for Alpha-methylacyl-CoA racemase deficiency. Last evaluated: 2022-07-25. Review status: criteria provided, single submitter. Criteria: Invitae Variant Classification Sherloc (09022015). Collection method: clinical testing. Allele origin: germline.
Comment: In summary, the available evidence is currently insufficient to determine the role of this variant in disease. Therefore, it has been classified as a Variant of Uncertain Significance. This variant has not been reported in the literature in individuals affected with AMACR-related conditions. This variant is a gross deletion of the genomic region encompassing exon(s) 1 of the AMACR gene, which includes the initiator codon. This deletion extends beyond the assayed region for this gene and therefore may encompass additional genes. It is expected to result in an absent or disrupted protein product. However, the current clinical and genetic evidence is not sufficient to establish whether loss-of-function variants in AMACR cause disease.